The following is an entry in ClinVar:

NM_001003722.2(GLE1):c.1A>G (p.Met1Val)

Gene: GLE1 (GLE1 RNA export mediator; plus strand). Cytogenetic location: 9q34.11.
Variant type: single nucleotide variant.
Coding change: c.1A>G on transcript NM_001003722.2 (MANE Select); coding-DNA position 1, A replaced by G.
Protein change: p.Met1Val; changes the start codon (methionine 1).
Molecular consequence: missense variant, initiator codon variant.
Genome position (GRCh38, 1-based): chr9:128,504,806, A>G. VCF-style: chr9-128504806-A-G. GRCh37 (hg19) VCF-style: chr9-131267085-A-G.
Other names: c.1A>G, p.Met1Val (NM_001411013.1, NM_001499.2); short protein forms M1V.
Identifiers: ClinVar variation 4814496 (VCV004814496.1).

ClinVar aggregate classification (germline): Likely pathogenic (1 of 4 stars; one submission).

Conditions:
Lethal congenital contractural syndrome Finnish type.

Submission:

Natera, Inc.
Classification: Likely pathogenic for Lethal congenital contractural syndrome Finnish type. Last evaluated: 2025-10-02. Review status: criteria provided, single submitter. Criteria: Natera Variant Classification Schema (03/2026). Collection method: clinical testing. Allele origin: germline.
Comment: The c.1A>G variant in GLE1 is predicted to result in start loss due to disruption of the initiator methionine. This variant is expected to result in nonsense mediated decay, truncation, or a dysfunctional protein product. This variant is rare in the general population with a frequency below the threshold expected for the associated phenotype(s). Given the available evidence, this variant is classified as Likely Pathogenic.